The following is an entry in ClinVar:

NC_000009.12:g.35657925_35657926insA

Gene: RMRP (RNA component of mitochondrial RNA processing endoribonuclease; minus strand). Cytogenetic location: 9p13.3.
Variant type: Insertion.
Genome position: GRCh38 VCF-style: chr9-35657925-C-CA. GRCh37 (hg19) VCF-style: chr9-35657922-C-CA.
Identifiers: ClinVar variation 1998974 (VCV001998974.1), dbSNP rs2490601720, ClinGen allele CA2580080451.

ClinVar aggregate classification (germline): Uncertain significance (1 of 4 stars; one submission).

Conditions:
Anauxetic dysplasia. Identifiers: Orphanet 93347, MedGen C1846796, MONDO:0011773.

Submission:

Labcorp Genetics (formerly Invitae), Labcorp
Classification: Uncertain significance for Anauxetic dysplasia. Last evaluated: 2022-05-25. Review status: criteria provided, single submitter. Criteria: Invitae Variant Classification Sherloc (09022015). Collection method: clinical testing. Allele origin: germline.
Comment: This variant occurs in the RMRP gene, which encodes an RNA molecule that does not result in a protein product. This variant is not present in population databases (gnomAD no frequency). This variant has not been reported in the literature in individuals affected with RMRP-related conditions. Experimental studies and prediction algorithms are not available or were not evaluated, and the functional significance of this variant is currently unknown. In summary, the available evidence is currently insufficient to determine the role of this variant in disease. Therefore, it has been classified as a Variant of Uncertain Significance.